The following is an entry in ClinVar:

ClinVar aggregate classification (germline): Uncertain significance (1 of 4 stars; one submission).

Conditions:
3-methylglutaconic aciduria, type VIIB (MGCA7B). Also called: 3-methylglutaconic aciduria with cataracts, neurologic involvement and neutropenia; CLPB Deficiency; 3-methylglutaconic aciduria, type VII, with cataracts, neurologic involvement and neutropenia. Identifiers: Orphanet 445038, MedGen C5676893, MONDO:0014561, OMIM 616271.

Submission:

Labcorp Genetics (formerly Invitae), Labcorp
Classification: Uncertain significance for 3-methylglutaconic aciduria, type VIIB. Last evaluated: 2022-10-08. Review status: criteria provided, single submitter. Criteria: Invitae Variant Classification Sherloc (09022015). Collection method: clinical testing. Allele origin: germline.
Comment: In summary, the available evidence is currently insufficient to determine the role of this variant in disease. Therefore, it has been classified as a Variant of Uncertain Significance. Algorithms developed to predict the effect of missense changes on protein structure and function (SIFT, PolyPhen-2, Align-GVGD) all suggest that this variant is likely to be tolerated. This variant has not been reported in the literature in individuals affected with CLPB-related conditions. This variant is not present in population databases (gnomAD no frequency). This sequence change replaces threonine, which is neutral and polar, with asparagine, which is neutral and polar, at codon 70 of the CLPB protein (p.Thr70Asn).

NM_001258392.3(CLPB):c.209C>A (p.Thr70Asn)

Genes: CLPB (ClpB family mitochondrial disaggregase; minus strand), LOC130006336 (ATAC-STARR-seq lymphoblastoid active region 5191; plus strand). Cytogenetic location: 11q13.4.
Variant type: single nucleotide variant.
Coding change: c.209C>A on transcript NM_001258392.3 (MANE Select); coding-DNA position 209, C replaced by A.
Protein change: p.Thr70Asn; replaces threonine 70 with asparagine.
Molecular consequence: missense variant. On other transcripts: 5 prime UTR variant (1).
Genome position (GRCh38, 1-based): chr11:72,434,266, G>T on the plus strand (C>A on the coding strand, the complement: CLPB is on the minus strand). VCF-style: chr11-72434266-G-T. GRCh37 (hg19) VCF-style: chr11-72145310-G-T.
Other names: c.209C>A, p.Thr70Asn (NM_001258393.3, NM_030813.6); c.-34C>A (NM_001258394.3); short protein forms T70N.
Identifiers: ClinVar variation 1718364 (VCV001718364.6), dbSNP rs2135181962, ClinGen allele CA381963362.